The following is an entry in ClinVar:

ClinVar aggregate classification (germline): Benign. Review status: criteria provided, multiple submitters, no conflicts (2 of 4 stars). 3 submissions from 3 submitters: Benign (2). 1 of the submissions does not count toward it. Last evaluated 2026-01-15.

Conditions:
MYORG-related disorder. Also called: MYORG-related condition.

Allele frequency attached by ClinVar (database versions not stated): ExAC 0.00193; ESP Exome Variant Server 0.00399; 1000 Genomes Project 0.00419; gnomAD 0.00433 and 0.00471; 1000 Genomes Project 30x 0.00468; TOPMed 0.00494.

Submissions (3):

Labcorp Genetics (formerly Invitae), Labcorp
Classification: Benign. Last evaluated: 2026-01-15. Review status: criteria provided, single submitter. Criteria: Invitae Variant Classification Sherloc (09022015). Collection method: clinical testing. Allele origin: germline.

Breakthrough Genomics
Classification: Benign. Review status: criteria provided, single submitter. Criteria: ACMG Guidelines, 2015. Collection method: not provided. Allele origin: germline. Inheritance: Autosomal recessive inheritance. Affected: yes.

PreventionGenetics, part of Exact Sciences
Classification: Benign for MYORG-related condition. Last evaluated: 2024-05-14. Review status: no assertion criteria provided. Collection method: clinical testing. Allele origin: germline. Not counted in ClinVar's aggregate classification.
Comment: This variant is classified as benign based on ACMG/AMP sequence variant interpretation guidelines (Richards et al. 2015 PMID: 25741868, with internal and published modifications).

NM_020702.5(MYORG):c.363C>T (p.Asp121=)

Gene: MYORG (myogenesis regulating glycosidase; minus strand). Cytogenetic location: 9p13.3.
Variant type: single nucleotide variant.
Coding change: c.363C>T on transcript NM_020702.5 (MANE Select); coding-DNA position 363, C replaced by T.
Protein change: p.Asp121=; no amino-acid change (aspartic acid 121 retained).
Molecular consequence: synonymous variant.
Genome position (GRCh38, 1-based): chr9:34,372,581, G>A on the plus strand (C>T on the coding strand, the complement: MYORG is on the minus strand). VCF-style: chr9-34372581-G-A. GRCh37 (hg19) VCF-style: chr9-34372579-G-A.
Other names: c.363C>T (NM_020702.4).
Identifiers: ClinVar variation 1681322 (VCV001681322.11), dbSNP rs74600562, ClinGen allele CA5033168.